The following is an entry in ClinVar:

ClinVar aggregate classification (germline): Uncertain significance. Review status: criteria provided, multiple submitters, no conflicts (2 of 4 stars). 2 submissions from 2 submitters: Uncertain significance (2). Last evaluated 2023-10-25.

Conditions:
Developmental and epileptic encephalopathy 94 (DEE94). Also called: Epileptic encephalopathy, childhood-onset; CHD2-Related Neurodevelopmental Disorders. Identifiers: Orphanet 1942, Orphanet 2382, MedGen C3809278, MONDO:0014150, OMIM 615369.

Allele frequency attached by ClinVar (database versions not stated): gnomAD exomes below 0.00001; TOPMed below 0.00001; gnomAD 0.00001.
gnomAD v4.1: 4 of 1,613,804 alleles (0.00025%); highest among the groups gnomAD compares: Non-Finnish European, 0.00034%; no homozygotes.

Submissions (2):

Labcorp Genetics (formerly Invitae), Labcorp
Classification: Uncertain significance for Developmental and epileptic encephalopathy 94. Last evaluated: 2023-10-25. Review status: criteria provided, single submitter. Criteria: Invitae Variant Classification Sherloc (09022015). Collection method: clinical testing. Allele origin: germline.
Comment: This sequence change replaces arginine, which is basic and polar, with histidine, which is basic and polar, at codon 223 of the CHD2 protein (p.Arg223His). This variant is not present in population databases (gnomAD no frequency). This variant has not been reported in the literature in individuals affected with CHD2-related conditions. ClinVar contains an entry for this variant (Variation ID: 856563). Advanced modeling of protein sequence and biophysical properties (such as structural, functional, and spatial information, amino acid conservation, physicochemical variation, residue mobility, and thermodynamic stability) performed at Invitae indicates that this missense variant is not expected to disrupt CHD2 protein function with a negative predictive value of 95%. In summary, the available evidence is currently insufficient to determine the role of this variant in disease. Therefore, it has been classified as a Variant of Uncertain Significance.

GeneDx
Classification: Uncertain significance. Last evaluated: 2019-06-11. Review status: criteria provided, single submitter. Criteria: GeneDx Variant Classification Process June 2021. Collection method: clinical testing. Allele origin: germline. Affected: yes.
Comment: Not observed in large population cohorts (Lek et al., 2016); In silico analysis, which includes protein predictors and evolutionary conservation, supports a deleterious effect; Has not been previously published as pathogenic or benign to our knowledge

NM_001271.4(CHD2):c.668G>A (p.Arg223His)

Gene: CHD2 (chromodomain helicase DNA binding protein 2; plus strand). Cytogenetic location: 15q26.1.
Variant type: single nucleotide variant.
Coding change: c.668G>A on transcript NM_001271.4 (MANE Select); coding-DNA position 668, G replaced by A.
Protein change: p.Arg223His; replaces arginine 223 with histidine.
Molecular consequence: missense variant.
Genome position (GRCh38, 1-based): chr15:92,939,694, G>A. VCF-style: chr15-92939694-G-A. GRCh37 (hg19) VCF-style: chr15-93482924-G-A.
Other names: c.668G>A, p.Arg223His (NM_001042572.3); short protein forms R223H.
Identifiers: ClinVar variation 856563 (VCV000856563.11), dbSNP rs1041959719, ClinGen allele CA274868735.